The following is an entry in ClinVar:

NM_000093.5(COL5A1):c.2799+13C>A

Gene: COL5A1 (collagen type V alpha 1 chain; plus strand). Cytogenetic location: 9q34.3.
Variant type: single nucleotide variant.
Coding change: c.2799+13C>A on transcript NM_000093.5 (MANE Select); 13 bases into the intron after coding-DNA position 2799, C replaced by A.
Molecular consequence: intron variant.
Genome position (GRCh38, 1-based): chr9:134,795,328, C>A. VCF-style: chr9-134795328-C-A. GRCh37 (hg19) VCF-style: chr9-137687174-C-A.
Other names: c.2799+13C>A (NM_001278074.1).
Identifiers: ClinVar variation 136873 (VCV000136873.14), dbSNP rs75668257, ClinGen allele CA290245.
Genomic context (GRCh38, chr9:134,795,328, plus strand): 5'-AGGGGTGAAAGAGGCCCCCGGGGCATCACTGGGAAGCCTGGCCCCAAGGTATGTTTTTGG[C>A]CTCCTGGGCGGTGGGCGGCGTGAACCCAAGTTGCAAGGCTACAGAGACGTGGAGCGTCTG-3'

ClinVar aggregate classification (germline): Benign. Review status: criteria provided, multiple submitters, no conflicts (2 of 4 stars). 8 submissions from 7 submitters: Benign (8). Last evaluated 2026-01-27.

Conditions:
Fibromuscular dysplasia, multifocal. Identifiers: MedGen C5543412, MONDO:0859151, OMIM 619329.
Ehlers-Danlos syndrome, classic type, 1 (EDSCL1). Also called: Ehlers-Danlos syndrome, type 1; Ehlers-Danlos Syndrome, Classic Type, COL5A1-Related; EDS I; EHLERS-DANLOS SYNDROME, GRAVIS TYPE; EHLERS-DANLOS SYNDROME, SEVERE CLASSIC TYPE. Identifiers: MedGen C0268335, MONDO:0019567, OMIM 130000.

Allele frequency attached by ClinVar (database versions not stated): 1000 Genomes Project 30x 0.00390; 1000 Genomes Project 0.00399; ESP Exome Variant Server 0.00531; gnomAD 0.00443; TOPMed 0.00482.
gnomAD v4.1: 1,272 of 1,613,036 alleles (0.079%); highest among the groups gnomAD compares: African/African-American, 1.5%; 8 homozygotes.

Submissions (8):

Labcorp Genetics (formerly Invitae), Labcorp
Classification: Benign for Ehlers-Danlos syndrome, classic type, 1. Last evaluated: 2026-01-27. Review status: criteria provided, single submitter. Criteria: Invitae Variant Classification Sherloc (09022015). Collection method: clinical testing. Allele origin: germline.

ARUP Laboratories, Molecular Genetics and Genomics, ARUP Laboratories
Classification: Benign. Last evaluated: 2025-01-06. Review status: criteria provided, single submitter. Criteria: ARUP Molecular Germline Variant Investigation Process 2024. Collection method: clinical testing. Allele origin: germline.

Women's Health and Genetics/Laboratory Corporation of America, LabCorp
Classification: Benign. Last evaluated: 2023-08-24. Review status: criteria provided, single submitter. Criteria: LabCorp Variant Classification Summary - May 2015. Collection method: clinical testing. Allele origin: germline.

Genome-Nilou Lab
Classification: Benign for Ehlers-Danlos syndrome, classic type, 1. Last evaluated: 2022-03-15. Review status: criteria provided, single submitter. Criteria: ACMG Guidelines, 2015. Collection method: clinical testing. Allele origin: germline. Affected: no.

Genome-Nilou Lab
Classification: Benign for Fibromuscular dysplasia, multifocal. Last evaluated: 2022-03-15. Review status: criteria provided, single submitter. Criteria: ACMG Guidelines, 2015. Collection method: clinical testing. Allele origin: germline. Affected: no.

GeneDx
Classification: Benign. Last evaluated: 2014-01-12. Review status: criteria provided, single submitter. Criteria: GeneDx Variant Classification (06012015). Collection method: clinical testing. Allele origin: germline. Affected: yes.
Comment: This variant is considered likely benign or benign based on one or more of the following criteria: it is a conservative change, it occurs at a poorly conserved position in the protein, it is predicted to be benign by multiple in silico algorithms, and/or has population frequency not consistent with disease.

Breakthrough Genomics
Classification: Benign. Review status: criteria provided, single submitter. Criteria: ACMG Guidelines, 2015. Collection method: not provided. Allele origin: germline. Inheritance: Autosomal dominant inheritance. Affected: yes.

PreventionGenetics, part of Exact Sciences
Classification: Benign. Review status: criteria provided, single submitter. Criteria: ACMG Guidelines, 2015. Collection method: clinical testing. Allele origin: germline.